The following is an entry in ClinVar:

ClinVar aggregate classification (germline): Uncertain significance (1 of 4 stars; one submission).

Allele frequency attached by ClinVar (database versions not stated): TOPMed below 0.00001.
gnomAD v4.1: 7 of 1,612,652 alleles (0.00043%); highest among the groups gnomAD compares: African/African-American, 0.0013%; no homozygotes.

Submissions (2):

GeneDx
Classification: Uncertain significance. Last evaluated: 2020-01-03. Review status: criteria provided, single submitter. Criteria: GeneDx Variant Classification Process June 2021. Collection method: clinical testing. Allele origin: germline. Affected: yes.
Comment: Nonsense variant predicted to result in protein truncation or nonsense mediated decay in a gene for which loss-of-function is not a known mechanism of disease; Has not been previously published as pathogenic or benign to our knowledge; Variants in candidate genes are classified as variants of uncertain significance in accordance with ACMG guidelines (Richards et al., 2015)

Dr. Peter K. Rogan Lab, Western University
No classification provided (evidence only). Condition: Gastric cancer. Review status: no classification provided. Collection method: in vitro. Allele origin: not applicable. Functional consequence: retained intron. Not counted in ClinVar's aggregate classification.

NM_004357.5(CD151):c.583C>T (p.Arg195Ter)

Gene: CD151 (CD151 molecule (Raph blood group); plus strand). Cytogenetic location: 11p15.5.
Variant type: single nucleotide variant.
Coding change: c.583C>T on transcript NM_004357.5 (MANE Select); coding-DNA position 583, C replaced by T.
Protein change: p.Arg195Ter; replaces arginine 195 with a stop codon.
Molecular consequence: nonsense.
Genome position (GRCh38, 1-based): chr11:837,586, C>T. VCF-style: chr11-837586-C-T. GRCh37 (hg19) VCF-style: chr11-837586-C-T.
Other names: NC_000011.9:g.837586C>T; c.583C>T, p.Arg195Ter (NM_001039490.2, NM_139029.2, NM_139030.4); short protein forms R195*.
Identifiers: ClinVar variation 1315991 (VCV001315991.3), dbSNP rs750823987, ClinGen allele CA5792265.